The following is an entry in ClinVar:

NM_003748.4(ALDH4A1):c.*118G>A

Gene: ALDH4A1 (aldehyde dehydrogenase 4 family member A1; minus strand). Cytogenetic location: 1p36.13.
Variant type: single nucleotide variant.
Coding change: c.*118G>A on transcript NM_003748.4 (MANE Select); 118 bases downstream of the stop codon, G replaced by A.
Molecular consequence: 3 prime UTR variant. On other transcripts: intron variant (1).
Genome position (GRCh38, 1-based): chr1:18,872,727, C>T on the plus strand (G>A on the coding strand, the complement: ALDH4A1 is on the minus strand). VCF-style: chr1-18872727-C-T. GRCh37 (hg19) VCF-style: chr1-19199221-C-T.
Other names: NC_000001.10:g.19199221C>T; c.*118G>A (NM_001161504.2, NM_001319218.2); c.*41+77G>A (NM_170726.3).
Identifiers: ClinVar variation 294359 (VCV000294359.7), dbSNP rs11740, ClinGen allele CA10609121.

ClinVar aggregate classification (germline): Benign. Review status: criteria provided, multiple submitters, no conflicts (2 of 4 stars). 2 submissions from 2 submitters: Benign (2). Last evaluated 2018-01-12.

Conditions:
Hyperprolinemia type 2 (HYRPRO2). Also called: 1-PYRROLINE-5-CARBOXYLATE DEHYDROGENASE DEFICIENCY; Deficiency of pyrroline-5-carboxylate reductase; Delta-1-pyrroline-5-carboxylate dehydrogenase deficiency. Identifiers: Orphanet 79101, MedGen C2931835, MONDO:0009401, OMIM 239510.

Allele frequency attached by ClinVar (database versions not stated): gnomAD 0.38688 and 0.39894; TOPMed 0.39892; gnomAD exomes 0.45334; 1000 Genomes Project 30x 0.46346; 1000 Genomes Project 0.47145.
gnomAD v4.1: 339,315 of 767,614 alleles (44%); highest among the groups gnomAD compares: East Asian, 66%; 78,435 homozygotes.

Submissions (4):

Illumina Laboratory Services, Illumina
Classification: Benign for Hyperprolinemia type 2. Last evaluated: 2018-01-12. Review status: criteria provided, single submitter. Criteria: ICSL Variant Classification Criteria 13 December 2019. Collection method: clinical testing. Allele origin: germline.
Comment: This variant was observed in the ICSL laboratory as part of a predisposition screen in an ostensibly healthy population. It had not been previously curated by ICSL or reported in the Human Gene Mutation Database (HGMD: prior to June 1st, 2018), and was therefore a candidate for classification through an automated scoring system. Utilizing variant allele frequency, disease prevalence and penetrance estimates, and inheritance mode, an automated score was calculated to assess if this variant is too frequent to cause the disease. Based on the score and internal cut-off values, a variant classified as benign is not then subjected to further curation. The score for this variant resulted in a classification of benign for this disease.

Breakthrough Genomics
Classification: Benign. Review status: criteria provided, single submitter. Criteria: ACMG Guidelines, 2015. Collection method: not provided. Allele origin: germline. Inheritance: Autosomal recessive inheritance. Affected: yes.

Dr. Peter K. Rogan Lab, Western University
No classification provided (evidence only). Condition: Melanoma. Review status: no classification provided. Collection method: in vitro. Allele origin: not applicable. Functional consequence: retained intron. Not counted in ClinVar's aggregate classification.

Dr. Peter K. Rogan Lab, Western University
No classification provided (evidence only). Condition: Melanoma. Review status: no classification provided. Collection method: in vitro. Allele origin: not applicable. Functional consequence: retained intron. Not counted in ClinVar's aggregate classification.